The following is an entry in ClinVar:

NM_033305.3(VPS13A):c.6616C>T (p.Gln2206Ter)

Gene: VPS13A (vacuolar protein sorting 13 homolog A; plus strand). Cytogenetic location: 9q21.2.
Variant type: single nucleotide variant.
Coding change: c.6616C>T on transcript NM_033305.3 (MANE Select); coding-DNA position 6616, C replaced by T.
Protein change: p.Gln2206Ter; replaces glutamine 2206 with a stop codon.
Molecular consequence: nonsense.
Genome position (GRCh38, 1-based): chr9:77,339,753, C>T. VCF-style: chr9-77339753-C-T. GRCh37 (hg19) VCF-style: chr9-79954669-C-T.
Other names: c.6499C>T, p.Gln2167Ter (NM_001018037.2); c.6616C>T, p.Gln2206Ter (NM_001018038.3, NM_015186.4); short protein forms Q2167*, Q2206*.
Identifiers: ClinVar variation 1930371 (VCV001930371.5), dbSNP rs2538076156, ClinGen allele CA373851221.

ClinVar aggregate classification (germline): Pathogenic (1 of 4 stars; one submission).

Submission:

Labcorp Genetics (formerly Invitae), Labcorp
Classification: Pathogenic. Last evaluated: 2022-03-27. Review status: criteria provided, single submitter. Criteria: Invitae Variant Classification Sherloc (09022015). Collection method: clinical testing. Allele origin: germline.
Comment: This variant has not been reported in the literature in individuals affected with VPS13A-related conditions. For these reasons, this variant has been classified as Pathogenic. This variant is not present in population databases (gnomAD no frequency). This sequence change creates a premature translational stop signal (p.Gln2206*) in the VPS13A gene. It is expected to result in an absent or disrupted protein product. Loss-of-function variants in VPS13A are known to be pathogenic (PMID: 12404112, 21598378).

Literature cited by the submitters: PubMed 12404112; PubMed 21598378.